The following is an entry in ClinVar:

ClinVar aggregate classification (germline): Likely benign (1 of 4 stars; one submission).

gnomAD v4.1: 3 of 1,614,040 alleles (0.00019%); highest among the groups gnomAD compares: Admixed American, 0.005%; no homozygotes.

Submission:

CeGaT Center for Human Genetics Tuebingen
Classification: Likely benign. Last evaluated: 2026-05-01. Review status: criteria provided, single submitter. Criteria: CeGaT Center For Human Genetics Tuebingen Variant Classification Criteria Version 2. Collection method: clinical testing. Allele origin: germline. Affected: yes. Observed: 1 variant allele.
Comment: MACF1: BP4, BP7

NM_001394062.1(MACF1):c.9426G>A (p.Gln3142=)

Gene: MACF1 (microtubule actin crosslinking factor 1; plus strand). Cytogenetic location: 1p34.3.
Variant type: single nucleotide variant.
Coding change: c.9426G>A on transcript NM_001394062.1 (MANE Select); coding-DNA position 9426, G replaced by A.
Protein change: p.Gln3142=; no amino-acid change (glutamine 3142 retained).
Molecular consequence: synonymous variant. On other transcripts: intron variant (1).
Genome position (GRCh38, 1-based): chr1:39,336,014, G>A. VCF-style: chr1-39336014-G-A. GRCh37 (hg19) VCF-style: chr1-39801686-G-A.
Other names: c.4629+8661G>A (NM_012090.5).
Identifiers: ClinVar variation 4874977 (VCV004874977.2).